The following is an entry in ClinVar:

NM_000018.4(ACADVL):c.1332+9C>T

Gene: ACADVL (acyl-CoA dehydrogenase very long chain; plus strand). Cytogenetic location: 17p13.1.
Variant type: single nucleotide variant.
Coding change: c.1332+9C>T on transcript NM_000018.4 (MANE Select); 9 bases into the intron after coding-DNA position 1332, C replaced by T.
Molecular consequence: intron variant.
Genome position (GRCh38, 1-based): chr17:7,223,884, C>T. VCF-style: chr17-7223884-C-T. GRCh37 (hg19) VCF-style: chr17-7127203-C-T.
Other names: c.1401+9C>T (NM_001270447.2); c.1104+9C>T (NM_001270448.2); c.1266+9C>T (NM_001033859.3).
Identifiers: ClinVar variation 707288 (VCV000707288.13), dbSNP rs376427620, ClinGen allele CA8338068.

ClinVar aggregate classification (germline): Likely benign. Review status: criteria provided, multiple submitters, no conflicts (2 of 4 stars). 3 submissions from 3 submitters: Likely benign (2). 1 of the submissions does not count toward it. Last evaluated 2026-01-19.

Conditions:
Very long chain acyl-CoA dehydrogenase deficiency (ACADVLD). Also called: VLCAD Deficiency; Very Long-Chain Acyl-Coenzyme A Dehydrogenase Deficiency. Identifiers: Orphanet 26793, MedGen C3887523, MONDO:0008723, OMIM 201475.
ACADVL-related disorder. Also called: ACADVL-related condition.

Allele frequency attached by ClinVar (database versions not stated): ExAC 0.00001; gnomAD 0.00001 and 0.00002; gnomAD exomes 0.00001; TOPMed 0.00001; ESP Exome Variant Server 0.00008.
gnomAD v4.1: 42 of 1,613,796 alleles (0.0026%); highest among the groups gnomAD compares: South Asian, 0.015%; no homozygotes.

Submissions (3):

Labcorp Genetics (formerly Invitae), Labcorp
Classification: Likely benign for Very long chain acyl-CoA dehydrogenase deficiency. Last evaluated: 2026-01-19. Review status: criteria provided, single submitter. Criteria: Invitae Variant Classification Sherloc (09022015). Collection method: clinical testing. Allele origin: germline.

Blueprint Genetics
Classification: Likely benign. Last evaluated: 2023-10-25. Review status: criteria provided, single submitter. Criteria: ACMG Guidelines, 2015. Collection method: clinical testing. Allele origin: germline.

PreventionGenetics, part of Exact Sciences
Classification: Likely benign for ACADVL-related condition. Last evaluated: 2023-12-26. Review status: no assertion criteria provided. Collection method: clinical testing. Allele origin: germline. Not counted in ClinVar's aggregate classification.
Comment: This variant is classified as likely benign based on ACMG/AMP sequence variant interpretation guidelines (Richards et al. 2015 PMID: 25741868, with internal and published modifications).